The following is an entry in ClinVar:

NM_032242.4(PLXNA1):c.1067C>T (p.Ala356Val)

Gene: PLXNA1 (plexin A1; plus strand). Cytogenetic location: 3q21.3.
Variant type: single nucleotide variant.
Coding change: c.1067C>T on transcript NM_032242.4 (MANE Select); coding-DNA position 1067, C replaced by T.
Protein change: p.Ala356Val; replaces alanine 356 with valine.
Molecular consequence: missense variant.
Genome position (GRCh38, 1-based): chr3:126,989,660, C>T. VCF-style: chr3-126989660-C-T. GRCh37 (hg19) VCF-style: chr3-126708503-C-T.
Other names: short protein forms A356V.
Identifiers: ClinVar variation 4989302 (VCV004989302.1).

ClinVar aggregate classification (germline): Uncertain significance (1 of 4 stars; one submission).

Conditions:
PLXNA1-related disorder. Also called: PLXNA1-related condition.

Submission:

PreventionGenetics, part of Exact Sciences
Classification: Uncertain significance for PLXNA1-related condition. Last evaluated: 2025-10-06. Review status: criteria provided, single submitter. Criteria: ACMG Guidelines, 2015. Collection method: clinical testing. Allele origin: germline.
Comment: The PLXNA1 c.1067C>T variant is predicted to result in the amino acid substitution p.Ala356Val. To our knowledge, this variant has not been reported in the literature or in a large population database (gnomAD), indicating this variant is rare. At this time, the clinical significance of this variant is uncertain due to the absence of conclusive functional and genetic evidence.